The following is an entry in ClinVar:

ClinVar aggregate classification (germline): Uncertain significance (1 of 4 stars; one submission).

gnomAD v4.1: 4 of 1,614,166 alleles (0.00025%); highest among the groups gnomAD compares: East Asian, 0.0022%; no homozygotes.

Submission:

Labcorp Genetics (formerly Invitae), Labcorp
Classification: Uncertain significance. Last evaluated: 2025-10-14. Review status: criteria provided, single submitter. Criteria: Invitae Variant Classification Sherloc (09022015). Collection method: clinical testing. Allele origin: germline.
Comment: This sequence change replaces histidine, which is basic and polar, with arginine, which is basic and polar, at codon 833 of the ELP1 protein (p.His833Arg). This variant is present in population databases (no rsID available, gnomAD 0.006%). This variant has not been reported in the literature in individuals affected with ELP1-related conditions. Invitae Evidence Modeling of protein sequence and biophysical properties (such as structural, functional, and spatial information, amino acid conservation, physicochemical variation, residue mobility, and thermodynamic stability) indicates that this missense variant is not expected to disrupt ELP1 protein function with a negative predictive value of 80%. Algorithms developed to predict the effect of sequence changes on RNA splicing suggest that this variant may disrupt the consensus splice site. In summary, the available evidence is currently insufficient to determine the role of this variant in disease. Therefore, it has been classified as a Variant of Uncertain Significance.

NM_003640.5(ELP1):c.2498A>G (p.His833Arg)

Gene: ELP1 (elongator acetyltransferase complex subunit 1; minus strand). Cytogenetic location: 9q31.3.
Variant type: single nucleotide variant.
Coding change: c.2498A>G on transcript NM_003640.5 (MANE Select); coding-DNA position 2498, A replaced by G.
Protein change: p.His833Arg; replaces histidine 833 with arginine.
Molecular consequence: missense variant.
Genome position (GRCh38, 1-based): chr9:108,897,151, T>C on the plus strand (A>G on the coding strand, the complement: ELP1 is on the minus strand). VCF-style: chr9-108897151-T-C. GRCh37 (hg19) VCF-style: chr9-111659431-T-C.
Other names: c.2156A>G, p.His719Arg (NM_001318360.2); c.1451A>G, p.His484Arg (NM_001330749.2); short protein forms H833R, H719R, H484R.
Identifiers: ClinVar variation 4699968 (VCV004699968.1).